The following is an entry in ClinVar:

ClinVar aggregate classification (germline): Uncertain significance. Review status: criteria provided, multiple submitters, no conflicts (2 of 4 stars). 3 submissions from 3 submitters: Uncertain significance (3). Last evaluated 2026-04-15.

Conditions:
DLC1-related disorder. Also called: DLC1-related condition.
Colorectal cancer. Also called: Colorectal cancer, somatic; Malignant Colorectal Neoplasm. Identifiers: MedGen C0346629, MONDO:0005575, OMIM 114500.

Allele frequency attached by ClinVar (database versions not stated): TOPMed 0.00001; gnomAD 0.00003; gnomAD exomes 0.00005; ExAC 0.00008.
gnomAD v4.1: 79 of 1,613,932 alleles (0.0049%); highest among the groups gnomAD compares: South Asian, 0.085%; no homozygotes.

Submissions (3):

PreventionGenetics, part of Exact Sciences
Classification: Uncertain significance for DLC1-related condition. Last evaluated: 2026-04-15. Review status: criteria provided, single submitter. Criteria: ACMG Guidelines, 2015. Collection method: clinical testing. Allele origin: germline.
Comment: The DLC1 c.2557A>T variant is predicted to result in the amino acid substitution p.Arg853Trp. To our knowledge, this variant has not been reported in the literature. This variant is reported in 0.062% of alleles in individuals of South Asian descent in gnomAD. At this time, the clinical significance of this variant is uncertain due to the absence of conclusive functional and genetic evidence.

Fulgent Genetics
Classification: Uncertain significance for Colorectal cancer. Last evaluated: 2024-02-08. Review status: criteria provided, single submitter. Criteria: ACMG Guidelines, 2015. Collection method: clinical testing. Allele origin: germline.

Ambry Genetics
Classification: Uncertain significance. Last evaluated: 2023-05-26. Review status: criteria provided, single submitter. Criteria: Ambry Variant Classification Scheme 2023. Collection method: clinical testing. Allele origin: germline.

NM_182643.3(DLC1):c.2557A>T (p.Arg853Trp)

Gene: DLC1 (DLC1 Rho GTPase activating protein; minus strand). Cytogenetic location: 8p22.
Variant type: single nucleotide variant.
Coding change: c.2557A>T on transcript NM_182643.3 (MANE Select); coding-DNA position 2557, A replaced by T.
Protein change: p.Arg853Trp; replaces arginine 853 with tryptophan.
Molecular consequence: missense variant.
Genome position (GRCh38, 1-based): chr8:13,099,780, T>A on the plus strand (A>T on the coding strand, the complement: DLC1 is on the minus strand). VCF-style: chr8-13099780-T-A. GRCh37 (hg19) VCF-style: chr8-12957289-T-A.
Other names: c.1024A>T, p.Arg342Trp (NM_001164271.2, NM_001348082.2, NM_001348083.1 and 6 more transcripts); c.1348A>T, p.Arg450Trp (NM_001316668.2, NM_001413129.1); c.2557A>T, p.Arg853Trp (NM_001348081.2, NM_001413124.1); c.1339A>T, p.Arg447Trp (NM_001413130.1); c.997A>T, p.Arg333Trp (NM_001413131.1, NM_001413137.1); c.1483A>T, p.Arg495Trp (NM_001413132.1); c.1246A>T, p.Arg416Trp (NM_001413135.1, NM_001413136.1, NM_001413139.1 and 1 more transcripts); c.1381A>T, p.Arg461Trp (NM_001413140.1); short protein forms R342W, R416W, R333W, R461W, R853W, R447W, R450W, R495W.
Identifiers: ClinVar variation 2510121 (VCV002510121.4), dbSNP rs751013009, ClinGen allele CA4638593.